The following is an entry in ClinVar:

NM_001035.3(RYR2):c.121G>A (p.Gly41Arg)

Gene: RYR2 (ryanodine receptor 2; plus strand). Cytogenetic location: 1q43.
Variant type: single nucleotide variant.
Coding change: c.121G>A on transcript NM_001035.3 (MANE Select); coding-DNA position 121, G replaced by A.
Protein change: p.Gly41Arg; replaces glycine 41 with arginine.
Molecular consequence: missense variant.
Genome position (GRCh38, 1-based): chr1:237,270,569, G>A. VCF-style: chr1-237270569-G-A. GRCh37 (hg19) VCF-style: chr1-237433869-G-A.
Other names: short protein forms G41R.
Identifiers: ClinVar variation 1752798 (VCV001752798.2), dbSNP rs2528050977, ClinGen allele CA345654415.

ClinVar aggregate classification (germline): Uncertain significance (1 of 4 stars; one submission).

Conditions:
Cardiovascular phenotype. Identifiers: MedGen CN230736.

Submission:

Ambry Genetics
Classification: Uncertain significance for Cardiovascular phenotype. Last evaluated: 2022-01-14. Review status: criteria provided, single submitter. Criteria: Ambry Variant Classification Scheme 2023. Collection method: clinical testing. Allele origin: germline.
Comment: The p.G41R variant (also known as c.121G>A), located in coding exon 2 of the RYR2 gene, results from a G to A substitution at nucleotide position 121. The glycine at codon 41 is replaced by arginine, an amino acid with dissimilar properties. This amino acid position is highly conserved in available vertebrate species. In addition, this alteration is predicted to be deleterious by in silico analysis. Since supporting evidence is limited at this time, the clinical significance of this alteration remains unclear.